The following is an entry in ClinVar:

NM_144670.6(A2ML1):c.3200C>T (p.Ala1067Val)

Gene: A2ML1 (alpha-2-macroglobulin like 1; plus strand). Cytogenetic location: 12p13.31.
Variant type: single nucleotide variant.
Coding change: c.3200C>T on transcript NM_144670.6 (MANE Select); coding-DNA position 3200, C replaced by T.
Protein change: p.Ala1067Val; replaces alanine 1067 with valine.
Molecular consequence: missense variant.
Genome position (GRCh38, 1-based): chr12:8,858,038, C>T. VCF-style: chr12-8858038-C-T. GRCh37 (hg19) VCF-style: chr12-9010634-C-T.
Other names: c.1727C>T, p.Ala576Val (NM_001282424.3); short protein forms A1067V, A576V.
Identifiers: ClinVar variation 1508655 (VCV001508655.6), dbSNP rs758909664, ClinGen allele CA6436287.

ClinVar aggregate classification (germline): Uncertain significance (1 of 4 stars; one submission).

Allele frequency attached by ClinVar (database versions not stated): gnomAD exomes below 0.00001 and 0.00001; ExAC 0.00002.
gnomAD v4.1: 5 of 1,614,134 alleles (0.00031%); highest among the groups gnomAD compares: Non-Finnish European, 0.00042%; no homozygotes.

Submission:

Labcorp Genetics (formerly Invitae), Labcorp
Classification: Uncertain significance. Last evaluated: 2021-08-29. Review status: criteria provided, single submitter. Criteria: Invitae Variant Classification Sherloc (09022015). Collection method: clinical testing. Allele origin: germline.
Comment: Algorithms developed to predict the effect of missense changes on protein structure and function output the following: SIFT: "Tolerated"; PolyPhen-2: "Benign"; Align-GVGD: "Class C0". The valine amino acid residue is found in multiple mammalian species, which suggests that this missense change does not adversely affect protein function. This sequence change replaces alanine with valine at codon 1067 of the A2ML1 protein (p.Ala1067Val). The alanine residue is moderately conserved and there is a small physicochemical difference between alanine and valine. This variant is present in population databases (rs758909664, ExAC 0.003%). This variant has not been reported in the literature in individuals affected with A2ML1-related conditions. Algorithms developed to predict the effect of sequence changes on RNA splicing suggest that this variant may create or strengthen a splice site. In summary, the available evidence is currently insufficient to determine the role of this variant in disease. Therefore, it has been classified as a Variant of Uncertain Significance.